The following is an entry in ClinVar:

ClinVar aggregate classification (germline): Uncertain significance (1 of 4 stars; one submission).

Submission:

Labcorp Genetics (formerly Invitae), Labcorp
Classification: Uncertain significance. Last evaluated: 2025-04-13. Review status: criteria provided, single submitter. Criteria: Invitae Variant Classification Sherloc (09022015). Collection method: clinical testing. Allele origin: germline.
Comment: This sequence change replaces valine, which is neutral and non-polar, with methionine, which is neutral and non-polar, at codon 267 of the MBD4 protein (p.Val267Met). This variant is not present in population databases (gnomAD no frequency). This variant has not been reported in the literature in individuals affected with MBD4-related conditions. An algorithm developed to predict the effect of missense changes on protein structure and function (PolyPhen-2) suggests that this variant is likely to be tolerated. In summary, the available evidence is currently insufficient to determine the role of this variant in disease. Therefore, it has been classified as a Variant of Uncertain Significance.

NM_001276270.2(MBD4):c.799G>A (p.Val267Met)

Gene: MBD4 (methyl-CpG binding domain 4, DNA glycosylase; minus strand). Cytogenetic location: 3q21.3.
Variant type: single nucleotide variant.
Coding change: c.799G>A on transcript NM_001276270.2 (MANE Select); coding-DNA position 799, G replaced by A.
Protein change: p.Val267Met; replaces valine 267 with methionine.
Molecular consequence: missense variant. On other transcripts: intron variant (1).
Genome position (GRCh38, 1-based): chr3:129,436,845, C>T on the plus strand (G>A on the coding strand, the complement: MBD4 is on the minus strand). VCF-style: chr3-129436845-C-T. GRCh37 (hg19) VCF-style: chr3-129155688-C-T.
Other names: c.799G>A, p.Val267Met (NM_001276271.2, NM_001276272.2, NM_003925.3); c.247+963G>A (NM_001276273.2); short protein forms V267M.
Identifiers: ClinVar variation 4803783 (VCV004803783.1).